The following is an entry in ClinVar:

NM_001283009.2(RTEL1):c.2896G>T (p.Glu966Ter)

Genes: RTEL1-TNFRSF6B (RTEL1-TNFRSF6B readthrough (NMD candidate); plus strand), RTEL1 (regulator of telomere elongation helicase 1; plus strand). Cytogenetic location: 20q13.33.
Variant type: single nucleotide variant.
Coding change: c.2896G>T on transcript NM_001283009.2 (MANE Select); coding-DNA position 2896, G replaced by T.
Protein change: p.Glu966Ter; replaces glutamic acid 966 with a stop codon.
Molecular consequence: nonsense. On other transcripts: non-coding transcript variant (1).
Genome position (GRCh38, 1-based): chr20:63,693,187, G>T. VCF-style: chr20-63693187-G-T. GRCh37 (hg19) VCF-style: chr20-62324540-G-T.
Other names: c.2227G>T, p.Glu743Ter (NM_001283010.1); c.2896G>T, p.Glu966Ter (NM_016434.4); c.2968G>T, p.Glu990Ter (NM_032957.5); short protein forms E743*, E966*, E990*.
Identifiers: ClinVar variation 4816351 (VCV004816351.1).
Genomic context (GRCh38, chr20:63,693,187, plus strand): 5'-GCCCCTTCCTCTACAGGCTTCTACCAGTTTGTGCGGCCCCACCATAAGCAGCAGTTTGAG[G>T]AGGTCTGTATCCAGCTGACAGGACGAGGCTGTGGCTATCGGCCTGAGCACAGCATTCCCC-3'

ClinVar aggregate classification (germline): Likely pathogenic (1 of 4 stars; one submission).

Conditions:
Dyskeratosis congenita. Identifiers: Orphanet 1775, MedGen C0265965, MONDO:0015780.

gnomAD v4.1: 5 of 1,612,172 alleles (0.00031%); highest among the groups gnomAD compares: Non-Finnish European, 0.00042%; no homozygotes.

Submission:

Natera, Inc.
Classification: Likely pathogenic for Dyskeratosis congenita. Last evaluated: 2024-02-26. Review status: criteria provided, single submitter. Criteria: Natera Variant Classification Schema (03/2026). Collection method: clinical testing. Allele origin: germline.
Comment: The c.2968G>T variant in RTEL1 is a nonsense variant predicted to introduce a stop codon at amino acid 990. This variant is expected to result in nonsense mediated decay, truncation, or a dysfunctional protein product. This variant is rare in the general population with a frequency below the threshold expected for the associated phenotype(s). Given the available evidence, this variant is classified as Likely Pathogenic.